The following is an entry in ClinVar:

NM_001367624.2(ZNF469):c.1171_1175del (p.Leu391fs)

Gene: ZNF469 (zinc finger protein 469; plus strand). Cytogenetic location: 16q24.2.
Variant type: Deletion.
Coding change: c.1171_1175del on transcript NM_001367624.2 (MANE Select); coding-DNA positions 1171 to 1175, 5 bases deleted (CTGGG; older notation c.1171_1175delCTGGG).
Protein change: p.Leu391fs; shifts the reading frame from leucine 391.
Molecular consequence: frameshift variant.
Genome position (GRCh38, 1-based): chr16:88,428,641-88,428,645, CTGGG deleted; deleting any 5 consecutive bases within chr16:88,428,637-88,428,645 gives the same sequence; the c. name uses the placement nearest the transcript's 3' end. VCF-style (leftmost placement, unchanged base first): chr16-88428636-ATGGGC-A. GRCh37 (hg19) VCF-style: chr16-88495044-ATGGGC-A.
Other names: NM_001127464.1:c.1171_1175delCTGGG; c.1171_1175delCTGGG (NM_001367624.2); short protein forms L391fs.
Identifiers: ClinVar variation 2847327 (VCV002847327.6), dbSNP rs779228663, ClinGen allele CA8224665.

ClinVar aggregate classification (germline): Pathogenic/Likely pathogenic. Review status: criteria provided, multiple submitters, no conflicts (2 of 4 stars). 4 submissions from 4 submitters: Pathogenic (3); Likely pathogenic (1). Last evaluated 2026-05-04.

Conditions:
Cardiovascular phenotype. Identifiers: MedGen CN230736.
Brittle cornea syndrome 1 (BCS1). Also called: CORNEAL FRAGILITY, KERATOGLOBUS, BLUE SCLERAE, JOINT HYPEREXTENSIBILITY; EDS6B; FRAGILITAS OCULI WITH JOINT HYPEREXTENSIBILITY; Corneal fragility keratoglobus, blue sclerae AND joint hypermobility; DYSGENESIS MESODERMALIS CORNEAE ET SCLERAE. Identifiers: Orphanet 90354, MedGen C0268344, MONDO:0024543, OMIM 229200.

Submissions (4):

Women's Health and Genetics/Laboratory Corporation of America, LabCorp
Classification: Pathogenic for Brittle cornea syndrome 1. Last evaluated: 2026-05-04. Review status: criteria provided, single submitter. Criteria: LabCorp Variant Classification Summary - May 2015. Collection method: clinical testing. Allele origin: germline.
Comment: Variant summary: ZNF469 c.1171_1175delCTGGG (p.Leu391GlufsX7) results in a premature termination codon, predicted to cause a truncation of the encoded protein or absence of the protein due to nonsense mediated decay, which are commonly known mechanisms for disease. The frequency data for this variant in gnomAD is considered unreliable, as metrics indicate poor data quality at this position. To our knowledge, no occurrence of c.1171_1175delCTGGG in individuals affected with ZNF469-related conditions and no experimental evidence demonstrating its impact on protein function have been reported. ClinVar contains an entry for this variant (Variation ID: 2847327). Based on the evidence outlined above, the variant was classified as pathogenic.

Ambry Genetics
Classification: Pathogenic for Cardiovascular phenotype. Last evaluated: 2024-12-02. Review status: criteria provided, single submitter. Criteria: Ambry Variant Classification Scheme 2023. Collection method: clinical testing. Allele origin: germline.
Comment: The c.1171_1175delCTGGG pathogenic mutation, located in coding exon 1 of the ZNF469 gene, results from a deletion of 5 nucleotides at nucleotide positions 1171 to 1175, causing a translational frameshift with a predicted alternate stop codon (p.L391Efs*7). This alteration is expected to result in loss of function by premature protein truncation or nonsense-mediated mRNA decay. As such, this alteration is interpreted as a disease-causing mutation.

Fulgent Genetics
Classification: Likely pathogenic for Brittle cornea syndrome 1. Last evaluated: 2024-05-22. Review status: criteria provided, single submitter. Criteria: ACMG Guidelines, 2015. Collection method: clinical testing. Allele origin: germline.

Labcorp Genetics (formerly Invitae), Labcorp
Classification: Pathogenic. Last evaluated: 2023-03-21. Review status: criteria provided, single submitter. Criteria: Invitae Variant Classification Sherloc (09022015). Collection method: clinical testing. Allele origin: germline.
Comment: This sequence change creates a premature translational stop signal (p.Leu391Glufs*7) in the ZNF469 gene. It is expected to result in an absent or disrupted protein product. Loss-of-function variants in ZNF469 are known to be pathogenic (PMID: 23642083, 23680354). This variant is present in population databases (rs779228663, gnomAD 0.002%). This variant has not been reported in the literature in individuals affected with ZNF469-related conditions. For these reasons, this variant has been classified as Pathogenic.

Literature cited by the submitters: PubMed 23642083 (cited by Labcorp Genetics (formerly Invitae), Labcorp); PubMed 23680354 (cited by Labcorp Genetics (formerly Invitae), Labcorp).